The following is an entry in ClinVar:

ClinVar aggregate classification (germline): Uncertain significance (1 of 4 stars; one submission).

Allele frequency attached by ClinVar (database versions not stated): TOPMed below 0.00001; gnomAD 0.00001; gnomAD exomes 0.00001.
gnomAD v4.1: 10 of 1,613,914 alleles (0.00062%); highest among the groups gnomAD compares: Non-Finnish European, 0.00085%; no homozygotes.

Submission:

Labcorp Genetics (formerly Invitae), Labcorp
Classification: Uncertain significance. Last evaluated: 2025-03-17. Review status: criteria provided, single submitter. Criteria: Invitae Variant Classification Sherloc (09022015). Collection method: clinical testing. Allele origin: germline.
Comment: This sequence change replaces isoleucine, which is neutral and non-polar, with valine, which is neutral and non-polar, at codon 373 of the PRPF3 protein (p.Ile373Val). This variant is not present in population databases (gnomAD no frequency). This variant has not been reported in the literature in individuals affected with PRPF3-related conditions. ClinVar contains an entry for this variant (Variation ID: 2074501). Invitae Evidence Modeling of protein sequence and biophysical properties (such as structural, functional, and spatial information, amino acid conservation, physicochemical variation, residue mobility, and thermodynamic stability) has been performed for this missense variant. However, the output from this modeling did not meet the statistical confidence thresholds required to predict the impact of this variant on PRPF3 protein function. In summary, the available evidence is currently insufficient to determine the role of this variant in disease. Therefore, it has been classified as a Variant of Uncertain Significance.

NM_004698.4(PRPF3):c.1117A>G (p.Ile373Val)

Gene: PRPF3 (pre-mRNA processing factor 3; plus strand). Cytogenetic location: 1q21.2.
Variant type: single nucleotide variant.
Coding change: c.1117A>G on transcript NM_004698.4 (MANE Select); coding-DNA position 1117, A replaced by G.
Protein change: p.Ile373Val; replaces isoleucine 373 with valine.
Molecular consequence: missense variant. On other transcripts: non-coding transcript variant (4).
Genome position (GRCh38, 1-based): chr1:150,338,241, A>G. VCF-style: chr1-150338241-A-G. GRCh37 (hg19) VCF-style: chr1-150310717-A-G.
Other names: c.712A>G, p.Ile238Val (NM_001350529.1); short protein forms I238V, I373V.
Identifiers: ClinVar variation 2074501 (VCV002074501.4), dbSNP rs1340846346, ClinGen allele CA342296771.